The following is an entry in ClinVar:

NM_175875.5(SIX5):c.457C>T (p.Pro153Ser)

Genes: DM1-AS (DM1 locus antisense RNA; plus strand), SIX5 (SIX homeobox 5; minus strand), LOC107075317 (origin of replication in DMPK trinucleotide repeat region; plus strand). Cytogenetic location: 19q13.32.
Variant type: single nucleotide variant.
Coding change: c.457C>T on transcript NM_175875.5 (MANE Select); coding-DNA position 457, C replaced by T.
Protein change: p.Pro153Ser; replaces proline 153 with serine.
Molecular consequence: missense variant.
Genome position (GRCh38, 1-based): chr19:45,768,388, G>A on the plus strand (C>T on the coding strand, the complement: SIX5 is on the minus strand). VCF-style: chr19-45768388-G-A. GRCh37 (hg19) VCF-style: chr19-46271646-G-A.
Other names: short protein forms P153S.
Identifiers: ClinVar variation 2473471 (VCV002473471.5), dbSNP rs765253633, ClinGen allele CA9520848.
Genomic context (GRCh38, chr19:45,768,388, plus strand): 5'-CGGCCTCATGGTAGCGCGCGCGCAGGTAGAGGTCCTGCAGGAAGGCGTGGTGGGCGGCGG[G>A]GAAGGGGCGGCTCTCGAGTAGCCGGTAGAGCTCGGCGTACTCGCCCCGCTGGAAGGCCAC-3'
Protein context (NP_787071.3, residues 143-163): LYRLLESRPF[Pro153Ser]AAHHAFLQDL

ClinVar aggregate classification (germline): Uncertain significance. Review status: criteria provided, multiple submitters, no conflicts (2 of 4 stars). 2 submissions from 2 submitters: Uncertain significance (2). Last evaluated 2023-04-27.

Allele frequency attached by ClinVar (database versions not stated): gnomAD exomes below 0.00001; TOPMed below 0.00001.
gnomAD v4.1: 1 of 1,577,826 alleles (0.000063%); highest among the groups gnomAD compares: Admixed American, 0.0018%; no homozygotes.

Submissions (2):

Labcorp Genetics (formerly Invitae), Labcorp
Classification: Uncertain significance. Last evaluated: 2023-04-27. Review status: criteria provided, single submitter. Criteria: Invitae Variant Classification Sherloc (09022015). Collection method: clinical testing. Allele origin: germline.
Comment: In summary, the available evidence is currently insufficient to determine the role of this variant in disease. Therefore, it has been classified as a Variant of Uncertain Significance. Advanced modeling of protein sequence and biophysical properties (such as structural, functional, and spatial information, amino acid conservation, physicochemical variation, residue mobility, and thermodynamic stability) performed at Invitae indicates that this missense variant is not expected to disrupt SIX5 protein function. This variant has not been reported in the literature in individuals affected with SIX5-related conditions. The frequency data for this variant in the population databases is considered unreliable, as metrics indicate poor data quality at this position in the gnomAD database. This sequence change replaces proline, which is neutral and non-polar, with serine, which is neutral and polar, at codon 153 of the SIX5 protein (p.Pro153Ser).

Ambry Genetics
Classification: Uncertain significance. Last evaluated: 2023-01-26. Review status: criteria provided, single submitter. Criteria: Ambry Variant Classification Scheme 2023. Collection method: clinical testing. Allele origin: germline.